The following is an entry in ClinVar:

ClinVar aggregate classification (germline): Uncertain significance (1 of 4 stars; one submission).

Conditions:
Familial thoracic aortic aneurysm and aortic dissection (TAAD). Also called: Thoracic aortic aneurysms and dissections. Identifiers: Orphanet 91387, MedGen C4707243, MONDO:0019625.

Submission:

Color Diagnostics, LLC DBA Color Health
Classification: Uncertain significance for Familial thoracic aortic aneurysm and aortic dissection. Last evaluated: 2024-03-06. Review status: criteria provided, single submitter. Criteria: ACMG Guidelines, 2015. Collection method: clinical testing. Allele origin: germline.
Comment: This missense variant replaces glutamic acid with aspartic acid at codon 475 of the FBN1 protein. Computational prediction suggests that this variant may not impact protein structure and function (internally defined REVEL score threshold <= 0.5, PMID: 27666373). Splice site prediction tools suggest that this variant may not impact RNA splicing. To our knowledge, functional studies have not been performed for this variant. This variant has not been reported in individuals affected with cardiovascular disorders in the literature. This variant has not been identified in the general population by the Genome Aggregation Database (gnomAD). The available evidence is insufficient to determine the role of this variant in disease conclusively. Therefore, this variant is classified as a Variant of Uncertain Significance.

NM_000138.5(FBN1):c.1425G>C (p.Glu475Asp)

Gene: FBN1 (fibrillin 1; minus strand). Cytogenetic location: 15q21.1.
Variant type: single nucleotide variant.
Coding change: c.1425G>C on transcript NM_000138.5 (MANE Select); coding-DNA position 1425, G replaced by C.
Protein change: p.Glu475Asp; replaces glutamic acid 475 with aspartic acid.
Molecular consequence: missense variant.
Genome position (GRCh38, 1-based): chr15:48,515,430, C>G on the plus strand (G>C on the coding strand, the complement: FBN1 is on the minus strand). VCF-style: chr15-48515430-C-G. GRCh37 (hg19) VCF-style: chr15-48807627-C-G.
Other names: short protein forms E475D.
Identifiers: ClinVar variation 923169 (VCV000923169.4), dbSNP rs752142729, ClinGen allele CA392343751.